The following is an entry in ClinVar:

ClinVar aggregate classification (germline): Uncertain significance (1 of 4 stars; one submission).

Allele frequency attached by ClinVar (database versions not stated): ExAC 0.00001; gnomAD exomes 0.00001; TOPMed 0.00002; gnomAD 0.00003.
gnomAD v4.1: 22 of 1,595,862 alleles (0.0014%); highest among the groups gnomAD compares: Non-Finnish European, 0.0018%; 1 homozygote.

Submission:

Genetic Services Laboratory, University of Chicago
Classification: Uncertain significance. Last evaluated: 2021-09-16. Review status: criteria provided, single submitter. Criteria: ACMG Guidelines, 2015. Collection method: clinical testing. Allele origin: germline. Affected: no.
Comment: DNA sequence analysis of the JAK2 gene demonstrated a sequence change, c.1666T>G, in exon 13 that results in an amino acid change, p.Phe556Val. This sequence change has been previously described in an individual with triple-negative essential thrombocythemia, but the somatic or germline status is unknown (PMID: 26423830). This sequence change has been described in the gnomAD database with a low frequency of 0.003% in non-Finnish European subpopulation only (dbSNP rs764634461). The p.Phe556Val change affects a highly conserved amino acid residue located in the JH2 domain of the JAK2 protein. Functional studies show p.Phe556Val is a gain-of-function variant, and results in activation of JAK2-STAT5 signaling (PMIDs: 26423830, 29842959). Due to the lack of sufficient evidence, the clinical significance of the p.Phe556Val change remains unknown at this time.

NM_004972.4(JAK2):c.1666T>G (p.Phe556Val)

Genes: INSL6 (insulin like 6; minus strand), JAK2 (Janus kinase 2; plus strand). Cytogenetic location: 9p24.1.
Variant type: single nucleotide variant.
Coding change: c.1666T>G on transcript NM_004972.4 (MANE Select); coding-DNA position 1666, T replaced by G.
Protein change: p.Phe556Val; replaces phenylalanine 556 with valine.
Molecular consequence: missense variant. On other transcripts: non-coding transcript variant (2).
Genome position (GRCh38, 1-based): chr9:5,072,516, T>G. VCF-style: chr9-5072516-T-G. GRCh37 (hg19) VCF-style: chr9-5072516-T-G.
Other names: c.1666T>G, p.Phe556Val (NM_001322194.2, NM_001322195.2, NM_001322196.2); c.451T>G, p.Phe151Val (NM_001322198.2, NM_001322199.2); c.1219T>G, p.Phe407Val (NM_001322204.2); short protein forms F151V, F407V, F556V.
Identifiers: ClinVar variation 1338661 (VCV001338661.4), dbSNP rs764634461, ClinGen allele CA4971930.